The following is an entry in ClinVar:

NM_004064.5(CDKN1B):c.597A>T (p.Ter199Tyr)

Gene: CDKN1B (cyclin dependent kinase inhibitor 1B; plus strand). Cytogenetic location: 12p13.1.
Variant type: single nucleotide variant.
Coding change: c.597A>T on transcript NM_004064.5 (MANE Select); coding-DNA position 597, A replaced by T.
Protein change: p.Ter199Tyr.
Molecular consequence: stop lost.
Genome position (GRCh38, 1-based): chr12:12,718,946, A>T. VCF-style: chr12-12718946-A-T. GRCh37 (hg19) VCF-style: chr12-12871880-A-T.
Identifiers: ClinVar variation 1038259 (VCV001038259.6), dbSNP rs1565420117, ClinGen allele CA383973260.

ClinVar aggregate classification (germline): Uncertain significance (1 of 4 stars; one submission).

Conditions:
Multiple endocrine neoplasia type 4. Also called: MULTIPLE ENDOCRINE NEOPLASIA, TYPE IV. Identifiers: Orphanet 276152, MedGen C1970712, MONDO:0012552, OMIM 610755.

Submission:

Labcorp Genetics (formerly Invitae), Labcorp
Classification: Uncertain significance for Multiple endocrine neoplasia type 4. Last evaluated: 2020-06-14. Review status: criteria provided, single submitter. Criteria: Invitae Variant Classification Sherloc (09022015). Collection method: clinical testing. Allele origin: germline.
Comment: This sequence change disrupts the translational stop signal of the CDKN1B mRNA. It is expected to extend the length of the CDKN1B protein by 60 additional amino acid residues. This variant is not present in population databases (ExAC no frequency). This variant has not been reported in the literature in individuals with CDKN1B-related conditions. Experimental studies and prediction algorithms are not available or were not evaluated, and the functional significance of this variant is currently unknown. In summary, the available evidence is currently insufficient to determine the role of this variant in disease. Therefore, it has been classified as a Variant of Uncertain Significance.